The following is an entry in ClinVar:

ClinVar aggregate classification (germline): Uncertain significance. Review status: criteria provided, multiple submitters, no conflicts (2 of 4 stars). 2 submissions from 2 submitters: Uncertain significance (2). Last evaluated 2024-10-18.

Conditions:
Epidermolysis bullosa simplex with nail dystrophy (EBS5D). Identifiers: MedGen C4225309, MONDO:0014661, OMIM 616487.
Epidermolysis bullosa simplex 5C, with pyloric atresia (EBS5C). Also called: PLEC-Related Epidermolysis Bullosa with Pyloric Atresia; Epidermolysis bullosa simplex with pyloric atresia; PLEC1-Related Epidermolysis Bullosa with Pyloric Atresia. Identifiers: Orphanet 158684, MedGen C2677349, MONDO:0012807, OMIM 612138.
Autosomal recessive limb-girdle muscular dystrophy type 2Q (LGMDR17). Also called: MUSCULAR DYSTROPHY, LIMB-GIRDLE, AUTOSOMAL RECESSIVE 17. Identifiers: Orphanet 254361, MedGen C3150989, MONDO:0013390, OMIM 613723.
Epidermolysis bullosa simplex 5B, with muscular dystrophy (EBS5B). Also called: EPIDERMOLYSIS BULLOSA SIMPLEX AND LIMB-GIRDLE MUSCULAR DYSTROPHY; Epidermolysis bullosa simplex with muscular dystrophy. Identifiers: Orphanet 257, MedGen C2931072, MONDO:0009181, OMIM 226670.
Epidermolysis bullosa simplex, Ogna type (EBS5A). Also called: Pidermolysis bullosa simplex 5A, Ogna type; EPIDERMOLYSIS BULLOSA SIMPLEX 5A, OGNA TYPE. Identifiers: Orphanet 79401, MedGen C0432317, MONDO:0007555, OMIM 131950.

Allele frequency attached by ClinVar (database versions not stated): gnomAD 0.00001; gnomAD exomes 0.00001 and 0.00002; TOPMed 0.00002; ExAC 0.00006.
gnomAD v4.1: 17 of 1,549,586 alleles (0.0011%); highest among the groups gnomAD compares: Admixed American, 0.0038%; no homozygotes.

Submissions (2):

Labcorp Genetics (formerly Invitae), Labcorp
Classification: Uncertain significance for Autosomal recessive limb-girdle muscular dystrophy type 2Q; Epidermolysis bullosa simplex, Ogna type; Epidermolysis bullosa simplex with nail dystrophy; Epidermolysis bullosa simplex 5C, with pyloric atresia; Epidermolysis bullosa simplex 5B, with muscular dystrophy. Last evaluated: 2024-10-18. Review status: criteria provided, single submitter. Criteria: Invitae Variant Classification Sherloc (09022015). Collection method: clinical testing. Allele origin: germline.
Comment: This sequence change replaces arginine, which is basic and polar, with tryptophan, which is neutral and slightly polar, at codon 1639 of the PLEC protein (p.Arg1639Trp). The frequency data for this variant in the population databases is considered unreliable, as metrics indicate poor data quality at this position in the gnomAD database. This variant has not been reported in the literature in individuals affected with PLEC-related conditions. ClinVar contains an entry for this variant (Variation ID: 283275). Invitae Evidence Modeling of protein sequence and biophysical properties (such as structural, functional, and spatial information, amino acid conservation, physicochemical variation, residue mobility, and thermodynamic stability) indicates that this missense variant is not expected to disrupt PLEC protein function with a negative predictive value of 80%. In summary, the available evidence is currently insufficient to determine the role of this variant in disease. Therefore, it has been classified as a Variant of Uncertain Significance.

Eurofins Ntd Llc (ga)
Classification: Uncertain significance. Last evaluated: 2015-09-09. Review status: criteria provided, single submitter. Criteria: EGL Classification Definitions 2015. Collection method: clinical testing. Allele origin: germline. Observed: 1 variant allele, 1 heterozygote.

NM_201384.3(PLEC):c.4834C>T (p.Arg1612Trp)

Gene: PLEC (plectin; minus strand). Cytogenetic location: 8q24.3.
Variant type: single nucleotide variant.
Coding change: c.4834C>T on transcript NM_201384.3 (MANE Select); coding-DNA position 4834, C replaced by T.
Protein change: p.Arg1612Trp; replaces arginine 1612 with tryptophan.
Molecular consequence: missense variant.
Genome position (GRCh38, 1-based): chr8:143,925,095, G>A on the plus strand (C>T on the coding strand, the complement: PLEC is on the minus strand). VCF-style: chr8-143925095-G-A. GRCh37 (hg19) VCF-style: chr8-144999263-G-A.
Other names: c.4915C>T, p.Arg1639Trp (NM_000445.5); c.4792C>T, p.Arg1598Trp (NM_201378.4); c.4768C>T, p.Arg1590Trp (NM_201379.3); c.5245C>T, p.Arg1749Trp (NM_201380.4); c.4738C>T, p.Arg1580Trp (NM_201381.3); c.4834C>T, p.Arg1612Trp (NM_201382.4); c.4846C>T, p.Arg1616Trp (NM_201383.3); short protein forms R1580W, R1749W, R1590W, R1598W, R1612W, R1616W, R1639W.
Identifiers: ClinVar variation 283275 (VCV000283275.10), dbSNP rs782551115, ClinGen allele CA4926527.